The following is an entry in ClinVar:

NM_015274.3(MAN2B2):c.1336A>G (p.Met446Val)

Gene: MAN2B2 (mannosidase alpha class 2B member 2; plus strand). Cytogenetic location: 4p16.1.
Variant type: single nucleotide variant.
Coding change: c.1336A>G on transcript NM_015274.3 (MANE Select); coding-DNA position 1336, A replaced by G.
Protein change: p.Met446Val; replaces methionine 446 with valine.
Molecular consequence: missense variant.
Genome position (GRCh38, 1-based): chr4:6,598,285, A>G. VCF-style: chr4-6598285-A-G. GRCh37 (hg19) VCF-style: chr4-6600012-A-G.
Other names: p.Met446Val; c.1183A>G, p.Met395Val (NM_001292038.2); short protein forms M395V, M446V.
Identifiers: ClinVar variation 2688008 (VCV002688008.4), dbSNP rs2301790, ClinGen allele CA2840898.

ClinVar aggregate classification (germline): Benign/Likely benign. Review status: criteria provided, multiple submitters, no conflicts (2 of 4 stars). 3 submissions from 3 submitters: Benign (2); Likely benign (1). Last evaluated 2026-01-21.

Allele frequency attached by ClinVar (database versions not stated): ESP Exome Variant Server 0.46448; gnomAD 0.46827; TOPMed 0.47158; gnomAD exomes 0.47770; ExAC 0.48344; 1000 Genomes Project 30x 0.49828; 1000 Genomes Project 0.49940.
gnomAD v4.1: 768,946 of 1,613,170 alleles (48%); highest among the groups gnomAD compares: East Asian, 66%; 185,105 homozygotes.

Submissions (3):

Women's Health and Genetics/Laboratory Corporation of America, LabCorp
Classification: Likely benign. Last evaluated: 2026-01-21. Review status: criteria provided, single submitter. Criteria: LabCorp Variant Classification Summary - May 2015. Collection method: clinical testing. Allele origin: germline.

Unidad de Genómica Garrahan, Hospital de Pediatría Garrahan
Classification: Benign. Last evaluated: 2024-01-24. Review status: criteria provided, single submitter. Criteria: ACMG Guidelines, 2015. Collection method: clinical testing. Allele origin: germline. Affected: no. Observed: 69 variant alleles.
Comment: This variant is classified as Benign based on local population frequency. This variant was detected in 73% of patients studied by a panel of primary immunodeficiencies. Number of patients: 69. Only high quality variants are reported.

Mayo Clinic Laboratories, Mayo Clinic
Classification: Benign. Last evaluated: 2022-04-14. Review status: criteria provided, single submitter. Criteria: ACMG Guidelines, 2015. Collection method: clinical testing. Allele origin: germline. Observed: 21 variant alleles.